The following is an entry in ClinVar:

NM_001267550.2(TTN):c.83630G>A (p.Arg27877His)

Genes: TTN (titin; minus strand), TTN-AS1 (TTN antisense RNA 1; plus strand). Cytogenetic location: 2q31.2.
Variant type: single nucleotide variant.
Coding change: c.83630G>A on transcript NM_001267550.2 (MANE Select); coding-DNA position 83630, G replaced by A.
Protein change: p.Arg27877His; replaces arginine 27877 with histidine.
Molecular consequence: missense variant.
Genome position (GRCh38, 1-based): chr2:178,562,502, C>T on the plus strand (G>A on the coding strand, the complement: TTN is on the minus strand). VCF-style: chr2-178562502-C-T. GRCh37 (hg19) VCF-style: chr2-179427229-C-T.
Other names: c.78707G>A, p.Arg26236His (NM_001256850.1); c.56435G>A, p.Arg18812His (NM_003319.4); c.75926G>A, p.Arg25309His (NM_133378.4); c.56810G>A, p.Arg18937His (NM_133432.3); c.57011G>A, p.Arg19004His (NM_133437.4); short protein forms R27877H, R25309H, R26236H, R18812H, R18937H, R19004H.
Identifiers: ClinVar variation 467555 (VCV000467555.4), dbSNP rs371345921, ClinGen allele CA1988893.
Genomic context (GRCh38, chr2:178,562,502, plus strand): 5'-CCAGTAATTTTGCTGCCACCATCACTTTCTGGTTTCTCCCACTTAATTGTAGCTGTATTA[C>T]GGGTCACATCAACAAGAGTTACTCTTCCAGGTGGGAGGGGTGGTTCAGACACTTTAACGG-3'
Protein context (NP_001254479.2, residues 27867-27887): PGRVTLVDVT[Arg27877His]NTATIKWEKP

ClinVar aggregate classification (germline): Uncertain significance. Review status: criteria provided, multiple submitters, no conflicts (2 of 4 stars). 2 submissions from 2 submitters: Uncertain significance (2). Last evaluated 2025-09-30.

Conditions:
TTN-related disorder. Also called: TTN-related condition; TTN-related disease; TTN-related disorders.
Autosomal recessive limb-girdle muscular dystrophy type 2J (LGMDR10). Also called: Limb-girdle muscular dystrophy, type 2J; MUSCULAR DYSTROPHY, LIMB-GIRDLE, AUTOSOMAL RECESSIVE 10. Identifiers: Orphanet 140922, MedGen C1837342, MONDO:0012127, OMIM 608807.
Dilated cardiomyopathy 1G (CMD1G). Identifiers: Orphanet 154, MedGen C1858763, MONDO:0011400, OMIM 604145.

Allele frequency attached by ClinVar (database versions not stated): gnomAD 0.00005; gnomAD exomes 0.00005; ExAC 0.00008; TOPMed 0.00009; 1000 Genomes Project 0.00020; 1000 Genomes Project 30x 0.00031.
gnomAD v4.1: 37 of 1,612,468 alleles (0.0023%); highest among the groups gnomAD compares: South Asian, 0.013%; no homozygotes.

Submissions (2):

PreventionGenetics, part of Exact Sciences
Classification: Uncertain significance for TTN-related condition. Last evaluated: 2025-09-30. Review status: criteria provided, single submitter. Criteria: ACMG Guidelines, 2015. Collection method: clinical testing. Allele origin: germline.
Comment: The TTN c.83630G>A variant is predicted to result in the amino acid substitution p.Arg27877His. To our knowledge, this variant has not been reported in the literature. This variant is reported in 0.017% of alleles in individuals of African descent in gnomAD. At this time, the clinical significance of this variant is uncertain due to the absence of conclusive functional and genetic evidence.

Labcorp Genetics (formerly Invitae), Labcorp
Classification: Uncertain significance for Dilated cardiomyopathy 1G; Autosomal recessive limb-girdle muscular dystrophy type 2J. Last evaluated: 2017-04-24. Review status: criteria provided, single submitter. Criteria: Invitae Variant Classification Sherloc (09022015). Collection method: clinical testing. Allele origin: germline.